The following is an entry in ClinVar:

ClinVar aggregate classification (germline): Likely benign (1 of 4 stars; one submission).

Submission:

CeGaT Center for Human Genetics Tuebingen
Classification: Likely benign. Last evaluated: 2026-04-01. Review status: criteria provided, single submitter. Criteria: CeGaT Center For Human Genetics Tuebingen Variant Classification Criteria Version 2. Collection method: clinical testing. Allele origin: germline. Affected: yes. Observed: 1 variant allele.
Comment: QRICH2: BP4, BP7

NM_001388453.1(QRICH2):c.2598G>A (p.Val866=)

Gene: QRICH2 (glutamine rich 2; minus strand). Cytogenetic location: 17q25.1.
Variant type: single nucleotide variant.
Coding change: c.2598G>A on transcript NM_001388453.1 (MANE Select); coding-DNA position 2598, G replaced by A.
Protein change: p.Val866=; no amino-acid change (valine 866 retained).
Molecular consequence: synonymous variant.
Genome position (GRCh38, 1-based): chr17:76,292,129, C>T on the plus strand (G>A on the coding strand, the complement: QRICH2 is on the minus strand). VCF-style: chr17-76292129-C-T. GRCh37 (hg19) VCF-style: chr17-74288210-C-T.
Other names: c.2598G>A, p.Val866= (NM_032134.3).
Identifiers: ClinVar variation 4871984 (VCV004871984.2).
Genomic context (GRCh38, chr17:76,292,129, plus strand): 5'-CATTCCAGGTTGGACCAAACCACGCTGATCCACTCCAGGTTGCACCAAACCACGCTGATC[C>T]ACTCCAGGTTGGACCAAACCACGCTGATCTGCACCAGGTTGGACCAAACCATGCTGAACT-3'
Protein context (NP_001375382.1, residues 856-876): ADQRGLVQPG[Val866=]DQRGLVQPGV